The following is an entry in ClinVar:

ClinVar aggregate classification (germline): Conflicting classifications of pathogenicity. Review status: criteria provided, conflicting classifications (1 of 4 stars). 4 submissions from 4 submitters: Uncertain significance (3); Likely benign (1). Last evaluated 2025-10-15.

Conditions:
Inborn genetic diseases. Identifiers: MedGen C0950123, MeSH D030342.
Developmental and epileptic encephalopathy, 46 (DEE46). Also called: Epileptic encephalopathy, early infantile, 46; GRIN2D-Related Developmental and Epileptic Encephalopathy. Identifiers: MedGen C4310687, MONDO:0014947, OMIM 617162.

gnomAD v4.1: 287 of 1,478,614 alleles (0.019%); highest among the groups gnomAD compares: Non-Finnish European, 0.025%; no homozygotes.

Submissions (4):

Labcorp Genetics (formerly Invitae), Labcorp
Classification: Uncertain significance. Last evaluated: 2025-10-15. Review status: criteria provided, single submitter. Criteria: Invitae Variant Classification Sherloc (09022015). Collection method: clinical testing. Allele origin: germline.
Comment: This sequence change replaces arginine, which is basic and polar, with leucine, which is neutral and non-polar, at codon 1316 of the GRIN2D protein (p.Arg1316Leu). The frequency data for this variant in the population databases is considered unreliable, as metrics indicate poor data quality at this position in the gnomAD database. This variant has not been reported in the literature in individuals affected with GRIN2D-related conditions. ClinVar contains an entry for this variant (Variation ID: 1435324). Invitae Evidence Modeling of protein sequence and biophysical properties (such as structural, functional, and spatial information, amino acid conservation, physicochemical variation, residue mobility, and thermodynamic stability) indicates that this missense variant is not expected to disrupt GRIN2D protein function with a negative predictive value of 95%. In summary, the available evidence is currently insufficient to determine the role of this variant in disease. Therefore, it has been classified as a Variant of Uncertain Significance.

CeGaT Center for Human Genetics Tuebingen
Classification: Likely benign. Last evaluated: 2025-05-01. Review status: criteria provided, single submitter. Criteria: CeGaT Center For Human Genetics Tuebingen Variant Classification Criteria Version 2. Collection method: clinical testing. Allele origin: germline. Affected: yes. Observed: 1 variant allele.
Comment: GRIN2D: BS2

Ambry Genetics
Classification: Uncertain significance for Inborn genetic diseases. Last evaluated: 2023-12-26. Review status: criteria provided, single submitter. Criteria: Ambry Variant Classification Scheme 2023. Collection method: clinical testing. Allele origin: germline.

Revvity Omics, Revvity
Classification: Uncertain significance for Developmental and epileptic encephalopathy, 46. Last evaluated: 2022-08-30. Review status: criteria provided, single submitter. Criteria: ACMG Guidelines, 2015. Collection method: clinical testing. Allele origin: germline.

NM_000836.4(GRIN2D):c.3947G>T (p.Arg1316Leu)

Gene: GRIN2D (glutamate ionotropic receptor NMDA type subunit 2D; plus strand). Cytogenetic location: 19q13.33.
Variant type: single nucleotide variant.
Coding change: c.3947G>T on transcript NM_000836.4 (MANE Select); coding-DNA position 3947, G replaced by T.
Protein change: p.Arg1316Leu; replaces arginine 1316 with leucine.
Molecular consequence: missense variant.
Genome position (GRCh38, 1-based): chr19:48,443,873, G>T. VCF-style: chr19-48443873-G-T. GRCh37 (hg19) VCF-style: chr19-48947130-G-T.
Other names: c.3947G>T (NM_000836.2); short protein forms R1316L.
Identifiers: ClinVar variation 1435324 (VCV001435324.21), dbSNP rs544435291, ClinGen allele CA309299635.
Genomic context (GRCh38, chr19:48,443,873, plus strand): 5'-GGTGTCCGCACGCCGCGCACTGGGGGCCGCCGCTGCCCACAGCTTCCCACCGGAGACACC[G>T]GGGCGGGGACCTGGGCACCCGCAGGGGCTCGGCGCACTTCTCTAGCCTCGAGTCCGAGGT-3'
Protein context (NP_000827.2, residues 1306-1326): PLPTASHRRH[Arg1316Leu]GGDLGTRRGS